The following is an entry in ClinVar:

ClinVar aggregate classification (germline): Pathogenic/Likely pathogenic. Review status: criteria provided, multiple submitters, no conflicts (2 of 4 stars). 2 submissions from 2 submitters: Pathogenic (1); Likely pathogenic (1). Last evaluated 2024-04-16.

Conditions:
Wolfram-like syndrome. Also called: HEARING LOSS, PROGRESSIVE, WITH OPTIC ATROPHY AND/OR IMPAIRED GLUCOSE REGULATION. Identifiers: Orphanet 411590, MedGen C3280358, MONDO:0013673, OMIM 614296.
Cataract 41 (CTRCT41). Also called: CATARACT 41, CONGENITAL NUCLEAR TYPE. Identifiers: Orphanet 91492, Orphanet 98991, Orphanet 98992, Orphanet 98995, MedGen C3805412, MONDO:0007287, OMIM 116400.
Autosomal dominant nonsyndromic hearing loss 6 (LFSNHL). Also called: DEAFNESS, AUTOSOMAL DOMINANT 6; DEAFNESS, AUTOSOMAL DOMINANT 14; DEAFNESS, AUTOSOMAL DOMINANT 38; Autosomal dominant nonsyndromic deafness 6. Identifiers: Orphanet 90635, MedGen C1833021, MONDO:0010963, OMIM 600965.
Type 2 diabetes mellitus. Also called: Type II diabetes mellitus. Identifiers: MedGen C0011860, MeSH D003924, MONDO:0005148, OMIM 125853, HP:0005978.
Wolfram syndrome 1 (WFS1). Identifiers: Orphanet 3463, MedGen C4551693, MONDO:0009101, OMIM 222300.

Submissions (2):

Fulgent Genetics
Classification: Likely pathogenic for Cataract 41; Type 2 diabetes mellitus; Wolfram syndrome 1; Autosomal dominant nonsyndromic hearing loss 6; Wolfram-like syndrome. Last evaluated: 2024-04-16. Review status: criteria provided, single submitter. Criteria: ACMG Guidelines, 2015. Collection method: clinical testing. Allele origin: germline.

Labcorp Genetics (formerly Invitae), Labcorp
Classification: Pathogenic. Last evaluated: 2023-07-10. Review status: criteria provided, single submitter. Criteria: Invitae Variant Classification Sherloc (09022015). Collection method: clinical testing. Allele origin: germline.
Comment: This sequence change replaces leucine, which is neutral and non-polar, with phenylalanine, which is neutral and non-polar, at codon 187 of the WFS1 protein (p.Leu187Phe). This variant is not present in population databases (gnomAD no frequency). This missense change has been observed in individual(s) with autosomal dominant deafness (PMID: 34222109). It has also been observed to segregate with disease in related individuals. ClinVar contains an entry for this variant (Variation ID: 2193625). Advanced modeling of protein sequence and biophysical properties (such as structural, functional, and spatial information, amino acid conservation, physicochemical variation, residue mobility, and thermodynamic stability) performed at Invitae indicates that this missense variant is not expected to disrupt WFS1 protein function. For these reasons, this variant has been classified as Pathogenic.

Literature cited by the submitters: PubMed 34222109 (cited by Labcorp Genetics (formerly Invitae), Labcorp).

NM_006005.3(WFS1):c.559C>T (p.Leu187Phe)

Gene: WFS1 (wolframin ER transmembrane glycoprotein; plus strand). Cytogenetic location: 4p16.1.
Variant type: single nucleotide variant.
Coding change: c.559C>T on transcript NM_006005.3 (MANE Select); coding-DNA position 559, C replaced by T.
Protein change: p.Leu187Phe; replaces leucine 187 with phenylalanine.
Molecular consequence: missense variant.
Genome position (GRCh38, 1-based): chr4:6,291,295, C>T. VCF-style: chr4-6291295-C-T. GRCh37 (hg19) VCF-style: chr4-6293022-C-T.
Other names: c.559C>T, p.Leu187Phe (NM_001145853.1); short protein forms L187F.
Identifiers: ClinVar variation 2193625 (VCV002193625.5), dbSNP rs1730456165, ClinGen allele CA356172033.